The following is an entry in ClinVar:

ClinVar aggregate classification (germline): Pathogenic. Review status: reviewed by expert panel (3 of 4 stars). 6 submissions from 6 submitters: Pathogenic (1). 5 of the submissions do not count toward it. Last evaluated 2024-12-05.

Conditions:
Mucopolysaccharidosis, MPS-I-S. Also called: MPS V; MUCOPOLYSACCHARIDOSIS TYPE V; MUCOPOLYSACCHARIDOSIS TYPE IS; Scheie Syndrome. Identifiers: Orphanet 93474, MedGen C0026708, MONDO:0011760, OMIM 607016.
Hurler syndrome. Also called: MUCOPOLYSACCHARIDOSIS TYPE IH; Severe MPS I (Hurler Syndrome); Gargoylism, Hurler Syndrome. Identifiers: Orphanet 93473, MedGen C0086795, MONDO:0011758, OMIM 607014.
Mucopolysaccharidosis, MPS-I-H/S. Also called: Mucopolysaccharidosis type IH/S. Identifiers: Orphanet 93476, MedGen C0086431, MONDO:0011759, OMIM 607015.
Mucopolysaccharidosis type 1. Also called: IDUA deficiency; MPS I; Mucopolysaccharidosis Type I. Identifiers: Orphanet 579, MedGen C0023786, MONDO:0001586.

gnomAD v4.1: 1 of 1,613,208 alleles (0.000062%); highest among the groups gnomAD compares: Non-Finnish European, 0.000085%; no homozygotes.

Submissions (6):

ClinGen Lysosomal Storage Disorder Variant Curation Expert Panel
Classification: Pathogenic for Mucopolysaccharidosis type 1. Last evaluated: 2024-12-05. Review status: reviewed by expert panel. Criteria: ClinGen LSD ACMG Specifications IDUA V1.0.0. Collection method: curation. Allele origin: germline. Inheritance: Autosomal recessive inheritance.
Comment: The NM_000203.4:c.536C>G variant in IDUA is a missense variant predicted to cause substitution of Threonine by Arginine at amino acid 179 (p.Thr179Arg). This variant has been reported in at least eight individuals with MPS I (PMID: 35433540, 21480867, 29095814, 34813777). This variant has been reported in at least eight individuals with MPS I (PMID: 35433540, 21480867, 29095814, 34813777): one is homozygous for this variant (PMID: 21480867, 0.5 points), six are compound heterozygous for this variant and a second variant that has been classified as pathogenic or likely pathogenic by the ClinGen Lysosomal Diseases VCEP including c.877G>A p.(Trp626Ter) (PMID: 35433540, phase confirmed, 1 point), c.236C>T p.(Ala79Val) (PMID: 21480867, 2 patients, phase unconfirmed, 2 x 0.5 points), c.1898C>T p.(Ser633Leu) (PMID: 21480867, 2 patients, phase unconfirmed, 2 x 0.5 points), c.1601C>A p.(Ser534Ter) (PMID: 34813777, phase not confirmed, 0.5 point). 4 points (PM3_VeryStrong). One patient with this variant present in the homozygous state has been reported with a clinical diagnosis of Hurler syndrome, presenting with delayed development, macrocephaly, congenital dermal melanocytosis, and hepatosplenomegaly; this patient also had reduced IDUA enzyme activity (0.1 nmol/h/mg, reference range 27.2-52) and increased excretion of urinary dermatan sulfate and heparan sulfate (PMID: 21480867) (PP4_moderate). The population minor allele frequency in gnomAD v4.1.0 is 8.5e-7 (1/1,179,952 alleles), which is lower than the ClinGen Lysosomal Diseases VCEP’s threshold for PM2_Supporting (<0.00025), meeting this criterion (PM2_Supporting). The computational predictor REVEL gives a score of 0.927 which is above the threshold of 0.773, evidence that correlates with impact to IDUA function at the moderate level based on the specifications of the ClinGen Lysosomal Diseases VCEP (PMID: 36413997) (PP3_Moderate). Other missense variants at the same position have been reported in individuals with MPS1, including c.536C>T p.(Thr179Met) (PMID: 32670797, ClinVar ID: 1455223), and p.Thr179Lys (PMID: 28752568, ClinVar ID: 1455223). The classification of c.536C>G (p.Thr179Arg) will be used in the assessment of the other variants at Thr179 and is not included here to avoid circular logic. There is a ClinVar entry for this variant (Variation ID: 556358). In summary, this variant meets the criteria to be classified as pathogenic for MPS I based on the ACMG/AMP criteria applied, as specified by the ClinGen Lysosomal Diseases Variant Curation Expert panel (Specifications Version 1.0.0): PM3_very strong; PP3_moderate; PP4_moderate; PM2_supporting (Classification approved by the ClinGen Lysosomal Diseases Variant Curation Expert Panel on December 5, 2024)

Labcorp Genetics (formerly Invitae), Labcorp
Classification: Pathogenic for Mucopolysaccharidosis type 1. Last evaluated: 2024-11-04. Review status: criteria provided, single submitter. Criteria: Invitae Variant Classification Sherloc (09022015). Collection method: clinical testing. Allele origin: germline. Not counted in ClinVar's aggregate classification.
Comment: This sequence change replaces threonine, which is neutral and polar, with arginine, which is basic and polar, at codon 179 of the IDUA protein (p.Thr179Arg). This variant is not present in population databases (gnomAD no frequency). This missense change has been observed in individual(s) with mucopolysaccharidosis type I (PMID: 21480867). ClinVar contains an entry for this variant (Variation ID: 556358). Invitae Evidence Modeling of protein sequence and biophysical properties (such as structural, functional, and spatial information, amino acid conservation, physicochemical variation, residue mobility, and thermodynamic stability) indicates that this missense variant is expected to disrupt IDUA protein function with a positive predictive value of 95%. This variant disrupts the p.Thr179 amino acid residue in IDUA. Other variant(s) that disrupt this residue have been observed in individuals with IDUA-related conditions (PMID: 28752568), which suggests that this may be a clinically significant amino acid residue. For these reasons, this variant has been classified as Pathogenic.

Natera, Inc.
Classification: Pathogenic for Mucopolysaccharidosis type I. Last evaluated: 2024-08-17. Review status: criteria provided, single submitter. Criteria: Natera Variant Classification Schema (03/2026). Collection method: clinical testing. Allele origin: germline. Not counted in ClinVar's aggregate classification.
Comment: The c.536C>G variant in IDUA is a missense variant predicted to cause substitution of threonine to arginine at amino acid 179. This variant is rare in the general population with a frequency below the threshold expected for the associated phenotype(s). This variant has been observed in one or more individuals affected with the associated recessive disease, as either homozygous or compound heterozygous with a second variant (PMID: 21480867). Given the available evidence, this variant is classified as Pathogenic.

Women's Health and Genetics/Laboratory Corporation of America, LabCorp
Classification: Pathogenic for Mucopolysaccharidosis type 1. Last evaluated: 2023-04-25. Review status: criteria provided, single submitter. Criteria: LabCorp Variant Classification Summary - May 2015. Collection method: clinical testing. Allele origin: germline. Not counted in ClinVar's aggregate classification.
Comment: Variant summary: IDUA c.536C>G (p.Thr179Arg) results in a non-conservative amino acid change in the encoded protein sequence. Five of five in-silico tools predict a damaging effect of the variant on protein function. The variant was absent in 250946 control chromosomes (gnomAD). c.536C>G has been reported in the literature as a biallelic genotype in multiple individuals affected with Mucopolysaccharidosis Type 1 (e.g. Wang_2012, Hu_2018, Fang_2022). These data indicate that the variant is very likely to be associated with disease. To our knowledge, no experimental evidence demonstrating an impact on protein function has been reported. The following publications have been ascertained in the context of this evaluation (PMID: 34813777, 29095814, 21480867). Three ClinVar submitters have assessed the variant since 2014: two classified the variant as likely pathogenic, and one as pathogenic. Based on the evidence outlined above, the variant was classified as pathogenic.

Juno Genomics, Hangzhou Juno Genomics, Inc
Classification: Pathogenic for Hurler syndrome; Mucopolysaccharidosis, MPS-I-H/S; Mucopolysaccharidosis, MPS-I-S. Review status: criteria provided, single submitter. Criteria: ACMG Guidelines, 2015. Collection method: clinical testing. Allele origin: germline. Not counted in ClinVar's aggregate classification.
Comment: Absent from controls (or at extremely low frequency if recessive) in Genome Aggregation Database.;Multiple lines of computational evidence support a deleterious effect on the gene or gene product.;For recessive disorders, detected in trans with a pathogenic variant.;Patient's phenotype or family history is highly specific for a disease with a single genetic etiology.

Counsyl
Classification: Likely pathogenic for Hurler syndrome. Last evaluated: 2018-01-26. Review status: no assertion criteria provided. Collection method: clinical testing. Allele origin: unknown. Not counted in ClinVar's aggregate classification.

Literature cited by the submitters: PubMed 21480867 (cited by 4 submitters); PubMed 28752568 (cited by Labcorp Genetics (formerly Invitae), Labcorp); PubMed 29095814 (cited by Women's Health and Genetics/Laboratory Corporation of America, LabCorp); PubMed 34813777 (cited by Women's Health and Genetics/Laboratory Corporation of America, LabCorp).

NM_000203.5(IDUA):c.536C>G (p.Thr179Arg)

Gene: IDUA (alpha-L-iduronidase; plus strand). Cytogenetic location: 4p16.3.
Variant type: single nucleotide variant.
Coding change: c.536C>G on transcript NM_000203.5 (MANE Select); coding-DNA position 536, C replaced by G.
Protein change: p.Thr179Arg; replaces threonine 179 with arginine.
Molecular consequence: missense variant. On other transcripts: non-coding transcript variant (1).
Genome position (GRCh38, 1-based): chr4:1,001,510, C>G. VCF-style: chr4-1001510-C-G. GRCh37 (hg19) VCF-style: chr4-995298-C-G.
Other names: NM_000203.5(IDUA):c.536C>G; p.Thr179Arg; c.536C>G (NM_000203.4); c.140C>G, p.Thr47Arg (NM_001363576.1); short protein forms T179R, T47R.
Identifiers: ClinVar variation 556358 (VCV000556358.19), dbSNP rs776098539, ClinGen allele CA355961718.